The following is an entry in ClinVar:

ClinVar aggregate classification (germline): Uncertain significance. Review status: criteria provided, single submitter (1 of 4 stars). 2 submissions from 2 submitters: Uncertain significance (1). 1 of the submissions does not count toward it. Last evaluated 2024-07-17.

Conditions:
NFAT5-related disorder. Also called: NFAT5-related condition.
Immunodeficiency. Identifiers: MedGen C0021051, MONDO:0021094, HP:0002721.

Submissions (2):

Labcorp Genetics (formerly Invitae), Labcorp
Classification: Uncertain significance for Immunodeficiency. Last evaluated: 2024-07-17. Review status: criteria provided, single submitter. Criteria: Invitae Variant Classification Sherloc (09022015). Collection method: clinical testing. Allele origin: germline.
Comment: This variant, c.2424_2429dup, results in the insertion of 2 amino acid(s) of the NFAT5 protein (p.Gln811_Gln812dup), but otherwise preserves the integrity of the reading frame. This variant is present in population databases (rs773250291, gnomAD 0.003%). This variant has not been reported in the literature in individuals affected with NFAT5-related conditions. Experimental studies and prediction algorithms are not available or were not evaluated, and the functional significance of this variant is currently unknown. In summary, the available evidence is currently insufficient to determine the role of this variant in disease. Therefore, it has been classified as a Variant of Uncertain Significance.

PreventionGenetics, part of Exact Sciences
Classification: Uncertain significance for NFAT5-related condition. Last evaluated: 2023-11-16. Review status: no assertion criteria provided. Collection method: clinical testing. Allele origin: germline. Not counted in ClinVar's aggregate classification.
Comment: The NFAT5 c.2424_2429dup6 variant is predicted to result in an in-frame duplication (p.Gln811_Gln812dup). To our knowledge, this variant has not been reported in the literature. This variant is reported in 0.0033% of alleles in individuals of South Asian descent in gnomAD. At this time, the clinical significance of this variant is uncertain due to the absence of conclusive functional and genetic evidence.

NM_138713.4(NFAT5):c.2694GCA[8] (p.Gln906_Val907insGlnGln)

Gene: NFAT5 (nuclear factor of activated T cells 5; plus strand). Cytogenetic location: 16q22.1.
Variant type: Microsatellite.
Coding change: c.2694GCA[8] on transcript NM_138713.4 (MANE Select); eight copies in a row of the 3-base unit GCA starting at c.2694; the reference has six copies in a row; two copies, 6 bases duplicated.
Protein change: p.Gln906_Val907insGlnGln.
Molecular consequence: inframe insertion.
Genome position (GRCh38, 1-based): chr16:69,692,531-69,692,536, GCAGCA duplicated; duplicating any 6 consecutive bases within chr16:69,692,517-69,692,536 gives the same sequence; the position shown is the placement nearest the transcript's 3' end. VCF-style (leftmost placement, unchanged base first): chr16-69692516-A-ACAGCAG. GRCh37 (hg19) VCF-style: chr16-69726419-A-ACAGCAG.
Other names: c.2691GCA[8], p.Gln905_Val906insGlnGln (NM_001113178.3); c.2019GCA[8], p.Gln681_Val682insGlnGln (NM_001367709.1); c.2640GCA[8], p.Gln888_Val889insGlnGln (NM_006599.4); c.2412GCA[8], p.Gln812_Val813insGlnGln (NM_138714.4, NM_173214.3, NM_173215.3); c.2424_2429dup6 (NM_138714.3).
Identifiers: ClinVar variation 1907154 (VCV001907154.7), dbSNP rs369235958, ClinGen allele CA8135795.
Genomic context (GRCh38, chr16:69,692,516, plus strand): 5'-TTTATTACCTGGAAGAGCTGAAAGTGTTCATCCACAGTCTGAAAACACGTTATCTAATCA[A>ACAGCAG]CAGCAGCAGCAGCAGCAGCAACAGCAAGTGATGGAATCTTCAGCCGCAATGGTGATGGAG-3'